The following is an entry in ClinVar:

NM_004239.4(TRIP11):c.4165G>A (p.Glu1389Lys)

Gene: TRIP11 (thyroid hormone receptor interactor 11; minus strand). Cytogenetic location: 14q32.12.
Variant type: single nucleotide variant.
Coding change: c.4165G>A on transcript NM_004239.4 (MANE Select); coding-DNA position 4165, G replaced by A.
Protein change: p.Glu1389Lys; replaces glutamic acid 1389 with lysine.
Molecular consequence: missense variant.
Genome position (GRCh38, 1-based): chr14:92,003,811, C>T on the plus strand (G>A on the coding strand, the complement: TRIP11 is on the minus strand). VCF-style: chr14-92003811-C-T. GRCh37 (hg19) VCF-style: chr14-92470155-C-T.
Other names: c.4162G>A, p.Glu1388Lys (NM_001321851.1); short protein forms E1388K, E1389K.
Identifiers: ClinVar variation 1442506 (VCV001442506.6), dbSNP rs770551258, ClinGen allele CA7313510.

ClinVar aggregate classification (germline): Uncertain significance (1 of 4 stars; one submission).

Conditions:
Achondrogenesis, type IA (ACG1A). Identifiers: Orphanet 932, Orphanet 93299, MedGen C0265273, MONDO:0008701, OMIM 200600.

Allele frequency attached by ClinVar (database versions not stated): gnomAD exomes 0.00001; ExAC 0.00002; gnomAD 0.00002; TOPMed 0.00003.
gnomAD v4.1: 12 of 1,613,916 alleles (0.00074%); highest among the groups gnomAD compares: African/African-American, 0.0067%; no homozygotes.

Submission:

Labcorp Genetics (formerly Invitae), Labcorp
Classification: Uncertain significance for Achondrogenesis, type IA. Last evaluated: 2023-05-15. Review status: criteria provided, single submitter. Criteria: Invitae Variant Classification Sherloc (09022015). Collection method: clinical testing. Allele origin: germline.
Comment: This variant has not been reported in the literature in individuals affected with TRIP11-related conditions. ClinVar contains an entry for this variant (Variation ID: 1442506). Advanced modeling of protein sequence and biophysical properties (such as structural, functional, and spatial information, amino acid conservation, physicochemical variation, residue mobility, and thermodynamic stability) performed at Invitae indicates that this missense variant is not expected to disrupt TRIP11 protein function. In summary, the available evidence is currently insufficient to determine the role of this variant in disease. Therefore, it has been classified as a Variant of Uncertain Significance. This variant is present in population databases (rs770551258, gnomAD 0.01%). This sequence change replaces glutamic acid, which is acidic and polar, with lysine, which is basic and polar, at codon 1389 of the TRIP11 protein (p.Glu1389Lys).